The following is an entry in ClinVar:

ClinVar aggregate classification (germline): Uncertain significance. Review status: criteria provided, multiple submitters, no conflicts (2 of 4 stars). 10 submissions from 10 submitters: Uncertain significance (9). 1 of the submissions does not count toward it. Last evaluated 2026-09-01.

Conditions:
CDH23-related disorder. Also called: CDH23-related condition; CDH23-related disorders.
Pituitary adenoma 5, multiple types. Identifiers: MedGen C4539685, MONDO:0054601, OMIM 617540.
Usher syndrome type 1D (USH1D). Also called: USHER SYNDROME, TYPE ID. Identifiers: Orphanet 231169, Orphanet 886, MedGen C1832845, MONDO:0010984, OMIM 601067.
Autosomal recessive nonsyndromic hearing loss 12. Also called: DEAFNESS, AUTOSOMAL RECESSIVE 12. Identifiers: Orphanet 90636, MedGen C1832394, MONDO:0011067, OMIM 601386.
Usher syndrome type 1 (USH1). Also called: RETINITIS PIGMENTOSA AND CONGENITAL DEAFNESS. Identifiers: Orphanet 231169, Orphanet 886, MedGen C1568247, MONDO:0010168, OMIM 276900.

Allele frequency attached by ClinVar (database versions not stated): gnomAD 0.00011 and 0.00013; TOPMed 0.00011; ESP Exome Variant Server 0.00016; gnomAD exomes 0.00016; ExAC 0.00019; 1000 Genomes Project 0.00040; 1000 Genomes Project 30x 0.00047.
gnomAD v4.1: 244 of 1,613,374 alleles (0.015%); highest among the groups gnomAD compares: Middle Eastern, 0.049%; no homozygotes.

Submissions (10):

CeGaT Center for Human Genetics Tuebingen
Classification: Uncertain significance. Last evaluated: 2026-09-01. Review status: criteria provided, single submitter. Criteria: CeGaT Center For Human Genetics Tuebingen Variant Classification Criteria Version 2. Collection method: clinical testing. Allele origin: germline. Affected: yes. Observed: 1 variant allele.
Comment: CDH23: PM2, PM3:Supporting, BP4

PreventionGenetics, part of Exact Sciences
Classification: Uncertain significance for CDH23-related condition. Last evaluated: 2026-08-05. Review status: criteria provided, single submitter. Criteria: ACMG Guidelines, 2015. Collection method: clinical testing. Allele origin: germline.
Comment: The CDH23 c.1919C>T variant is predicted to result in the amino acid substitution p.Thr640Met. This variant has been reported along with a second CDH23 variant in an individual with hearing loss (Sloan-Heggen et al. 2016. PubMed ID: 26969326). This variant is present in 0.022% of alleles in individuals of European (Non-Finnish) descent in gnomAD. At this time, the clinical significance of this variant is uncertain due to the absence of conclusive functional and genetic evidence.

GeneDx
Classification: Uncertain significance. Last evaluated: 2024-11-13. Review status: criteria provided, single submitter. Criteria: GeneDx Variant Classification Process June 2021. Collection method: clinical testing. Allele origin: germline. Affected: yes.
Comment: Reported in a patient with hearing loss in published literature with limited evidence for pathogenicity (PMID: 26969326); In silico analysis indicates that this missense variant does not alter protein structure/function; This variant is associated with the following publications: (PMID: 22135276, 26969326, 34906470)

Blueprint Genetics
Classification: Uncertain significance. Last evaluated: 2024-01-11. Review status: criteria provided, single submitter. Criteria: ACMG Guidelines, 2015. Collection method: clinical testing. Allele origin: germline.

Labcorp Genetics (formerly Invitae), Labcorp
Classification: Uncertain significance. Last evaluated: 2022-10-23. Review status: criteria provided, single submitter. Criteria: Invitae Variant Classification Sherloc (09022015). Collection method: clinical testing. Allele origin: germline.
Comment: This sequence change replaces threonine, which is neutral and polar, with methionine, which is neutral and non-polar, at codon 640 of the CDH23 protein (p.Thr640Met). This variant is present in population databases (rs199796910, gnomAD 0.02%). This missense change has been observed in individual(s) with deafness or Usher syndrome (PMID: 22135276, 26969326). ClinVar contains an entry for this variant (Variation ID: 194889). Advanced modeling of protein sequence and biophysical properties (such as structural, functional, and spatial information, amino acid conservation, physicochemical variation, residue mobility, and thermodynamic stability) performed at Invitae indicates that this missense variant is not expected to disrupt CDH23 protein function. In summary, the available evidence is currently insufficient to determine the role of this variant in disease. Therefore, it has been classified as a Variant of Uncertain Significance.

Women's Health and Genetics/Laboratory Corporation of America, LabCorp
Classification: Uncertain significance. Last evaluated: 2022-05-17. Review status: criteria provided, single submitter. Criteria: LabCorp Variant Classification Summary - May 2015. Collection method: clinical testing. Allele origin: germline.
Comment: Variant summary: CDH23 c.1919C>T (p.Thr640Met) results in a non-conservative amino acid change located in the Cadherin 6 domain (562-671, LOVD) of the encoded protein sequence. Three of five in-silico tools predict a benign effect of the variant on protein function. The variant allele was found at a frequency of 0.00016 in 247720 control chromosomes. This frequency is not significantly higher than expected for a pathogenic variant in CDH23 causing Usher Syndrome (0.00016 vs 0.0032), allowing no conclusion about variant significance. c.1919C>T has been reported in the literature in individuals affected with Usher Syndrome and Autosomal recessive non-syndromic hearing loss (Le Quesne Stabej_2011, Sloan-Heggen_2016). These reports do not provide unequivocal conclusions about association of the variant with Usher Syndrome. To our knowledge, no experimental evidence demonstrating an impact on protein function has been reported. Five ClinVar submitters (evaluation after 2014) cite the variant as uncertain significance. Based on the evidence outlined above, the variant was classified as uncertain significance.

Fulgent Genetics
Classification: Uncertain significance for Usher syndrome type 1D; Autosomal recessive nonsyndromic hearing loss 12; Pituitary adenoma 5, multiple types. Last evaluated: 2021-07-16. Review status: criteria provided, single submitter. Criteria: ACMG Guidelines, 2015. Collection method: clinical testing. Allele origin: unknown.

Ocular Genomics Institute, Massachusetts Eye and Ear
Classification: Uncertain significance for Usher syndrome type 1D. Last evaluated: 2021-04-08. Review status: criteria provided, single submitter. Criteria: ACMG Guidelines, 2015. Collection method: research. Allele origin: germline. Affected: yes.
Comment: Through a review of available evidence we were able to apply the following criteria: PM2. Based on this evidence we have classified this variant as Variant of Uncertain Significance.

Eurofins Ntd Llc (ga)
Classification: Uncertain significance. Last evaluated: 2017-01-24. Review status: criteria provided, single submitter. Criteria: EGL Classification Definitions 2015. Collection method: clinical testing. Allele origin: germline. Observed: 2 variant alleles, 2 heterozygotes.

Natera, Inc.
Classification: Uncertain significance for Usher syndrome type 1. Last evaluated: 2020-03-16. Review status: no assertion criteria provided. Collection method: clinical testing. Allele origin: germline. Not counted in ClinVar's aggregate classification.

Literature cited by the submitters: PubMed 22135276 (cited by 3 submitters); PubMed 26969326 (cited by 3 submitters).

NM_022124.6(CDH23):c.1919C>T (p.Thr640Met)

Gene: CDH23 (cadherin related 23; plus strand). Cytogenetic location: 10q22.1.
Variant type: single nucleotide variant.
Coding change: c.1919C>T on transcript NM_022124.6 (MANE Select); coding-DNA position 1919, C replaced by T.
Protein change: p.Thr640Met; replaces threonine 640 with methionine.
Molecular consequence: missense variant.
Genome position (GRCh38, 1-based): chr10:71,682,505, C>T. VCF-style: chr10-71682505-C-T. GRCh37 (hg19) VCF-style: chr10-73442262-C-T.
Other names: c.1919C>T, p.Thr640Met (NM_001171930.2, NM_001171931.2); short protein forms T640M.
Identifiers: ClinVar variation 194889 (VCV000194889.19), dbSNP rs199796910, ClinGen allele CA241095.